The following is an entry in ClinVar:

NM_001379500.1(COL18A1):c.1411A>G (p.Met471Val)

Gene: COL18A1 (collagen type XVIII alpha 1 chain; plus strand). Cytogenetic location: 21q22.3.
Variant type: single nucleotide variant.
Coding change: c.1411A>G on transcript NM_001379500.1 (MANE Select); coding-DNA position 1411, A replaced by G.
Protein change: p.Met471Val; replaces methionine 471 with valine.
Molecular consequence: missense variant.
Genome position (GRCh38, 1-based): chr21:45,480,479, A>G. VCF-style: chr21-45480479-A-G. GRCh37 (hg19) VCF-style: chr21-46900393-A-G.
Other names: c.1951A>G, p.Met651Val (NM_030582.4); c.2656A>G, p.Met886Val (NM_130444.3); short protein forms M651V, M471V, M886V.
Identifiers: ClinVar variation 1435872 (VCV001435872.3), dbSNP rs759635724, ClinGen allele CA10066313.

ClinVar aggregate classification (germline): Uncertain significance (1 of 4 stars; one submission).

Allele frequency attached by ClinVar (database versions not stated): gnomAD 0.00001; TOPMed 0.00004.
gnomAD v4.1: 13 of 1,613,948 alleles (0.00081%); highest among the groups gnomAD compares: Middle Eastern, 0.016%; no homozygotes.

Submission:

Labcorp Genetics (formerly Invitae), Labcorp
Classification: Uncertain significance. Last evaluated: 2022-08-10. Review status: criteria provided, single submitter. Criteria: Invitae Variant Classification Sherloc (09022015). Collection method: clinical testing. Allele origin: germline.
Comment: This sequence change replaces methionine, which is neutral and non-polar, with valine, which is neutral and non-polar, at codon 471 of the COL18A1 protein (p.Met471Val). This variant is present in population databases (rs759635724, gnomAD 0.01%). This variant has not been reported in the literature in individuals affected with COL18A1-related conditions. ClinVar contains an entry for this variant (Variation ID: 1435872). Experimental studies and prediction algorithms are not available or were not evaluated, and the functional significance of this variant is currently unknown. In summary, the available evidence is currently insufficient to determine the role of this variant in disease. Therefore, it has been classified as a Variant of Uncertain Significance.